The following is an entry in ClinVar:

NM_005076.5(CNTN2):c.1331C>T (p.Ala444Val)

Gene: CNTN2 (contactin 2; plus strand). Cytogenetic location: 1q32.1.
Variant type: single nucleotide variant.
Coding change: c.1331C>T on transcript NM_005076.5 (MANE Select); coding-DNA position 1331, C replaced by T.
Protein change: p.Ala444Val; replaces alanine 444 with valine.
Molecular consequence: missense variant. On other transcripts: non-coding transcript variant (1).
Genome position (GRCh38, 1-based): chr1:205,064,412, C>T. VCF-style: chr1-205064412-C-T. GRCh37 (hg19) VCF-style: chr1-205033540-C-T.
Other names: c.1331C>T, p.Ala444Val (NM_001346083.2); short protein forms A444V.
Identifiers: ClinVar variation 1417959 (VCV001417959.6), dbSNP rs2151194250, ClinGen allele CA344374847.

ClinVar aggregate classification (germline): Uncertain significance (1 of 4 stars; one submission).

Conditions:
Epilepsy, familial adult myoclonic, 5 (EPEO5). Also called: CORTICAL MYOCLONIC TREMOR WITH EPILEPSY, FAMILIAL, 5. Identifiers: Orphanet 86814, MedGen C3809374, MONDO:0014167, OMIM 615400.

gnomAD v4.1: 1 of 1,613,116 alleles (0.000062%); highest among the groups gnomAD compares: East Asian, 0.0022%; no homozygotes.

Submission:

Labcorp Genetics (formerly Invitae), Labcorp
Classification: Uncertain significance for Epilepsy, familial adult myoclonic, 5. Last evaluated: 2024-10-24. Review status: criteria provided, single submitter. Criteria: Invitae Variant Classification Sherloc (09022015). Collection method: clinical testing. Allele origin: germline.
Comment: This sequence change replaces alanine, which is neutral and non-polar, with valine, which is neutral and non-polar, at codon 444 of the CNTN2 protein (p.Ala444Val). This variant is not present in population databases (gnomAD no frequency). This variant has not been reported in the literature in individuals affected with CNTN2-related conditions. ClinVar contains an entry for this variant (Variation ID: 1417959). Invitae Evidence Modeling of protein sequence and biophysical properties (such as structural, functional, and spatial information, amino acid conservation, physicochemical variation, residue mobility, and thermodynamic stability) indicates that this missense variant is not expected to disrupt CNTN2 protein function with a negative predictive value of 95%. In summary, the available evidence is currently insufficient to determine the role of this variant in disease. Therefore, it has been classified as a Variant of Uncertain Significance.